The following is an entry in ClinVar:

ClinVar aggregate classification (germline): Pathogenic (1 of 4 stars; one submission).

Conditions:
Familial thoracic aortic aneurysm and aortic dissection (TAAD). Also called: Thoracic aortic aneurysms and dissections. Identifiers: Orphanet 91387, MedGen C4707243, MONDO:0019625.

Submission:

Ambry Genetics
Classification: Pathogenic for Familial thoracic aortic aneurysm and aortic dissection. Last evaluated: 2026-05-15. Review status: criteria provided, single submitter. Criteria: Ambry Variant Classification Scheme 2023. Collection method: clinical testing. Allele origin: germline.
Comment: The p.Y100* pathogenic mutation (also known as c.300C>G), located in coding exon 1 of the TGFB3 gene, results from a C to G substitution at nucleotide position 300. This changes the amino acid from a tyrosine to a stop codon within coding exon 1. This variant is considered to be rare based on population cohorts in the Genome Aggregation Database (gnomAD). This alteration is expected to result in loss of function by premature protein truncation or nonsense-mediated mRNA decay. As such, this alteration is interpreted as a disease-causing mutation.

NM_003239.5(TGFB3):c.300C>G (p.Tyr100Ter)

Gene: TGFB3 (transforming growth factor beta 3; minus strand). Cytogenetic location: 14q24.3.
Variant type: single nucleotide variant.
Coding change: c.300C>G on transcript NM_003239.5 (MANE Select); coding-DNA position 300, C replaced by G.
Protein change: p.Tyr100Ter; replaces tyrosine 100 with a stop codon.
Molecular consequence: nonsense.
Genome position (GRCh38, 1-based): chr14:75,980,594, G>C on the plus strand (C>G on the coding strand, the complement: TGFB3 is on the minus strand). VCF-style: chr14-75980594-G-C. GRCh37 (hg19) VCF-style: chr14-76446937-G-C.
Other names: c.300C>G, p.Tyr100Ter (NM_001329938.2, NM_001329939.2); short protein forms Y100*.
Identifiers: ClinVar variation 4865652 (VCV004865652.1).